The following is an entry in ClinVar:

NM_032043.3(BRIP1):c.2158G>T (p.Val720Leu)

Gene: BRIP1 (BRCA1 interacting DNA helicase 1; minus strand). Cytogenetic location: 17q23.2.
Variant type: single nucleotide variant.
Coding change: c.2158G>T on transcript NM_032043.3 (MANE Select); coding-DNA position 2158, G replaced by T.
Protein change: p.Val720Leu; replaces valine 720 with leucine.
Molecular consequence: missense variant.
Genome position (GRCh38, 1-based): chr17:61,744,531, C>A on the plus strand (G>T on the coding strand, the complement: BRIP1 is on the minus strand). VCF-style: chr17-61744531-C-A. GRCh37 (hg19) VCF-style: chr17-59821892-C-A.
Other names: short protein forms V720L.
Identifiers: ClinVar variation 1496101 (VCV001496101.12), dbSNP rs1555591459, ClinGen allele CA400483155.

ClinVar aggregate classification (germline): Uncertain significance. Review status: criteria provided, multiple submitters, no conflicts (2 of 4 stars). 2 submissions from 2 submitters: Uncertain significance (2). Last evaluated 2025-02-09.

Conditions:
Fanconi anemia complementation group J. Also called: BRIP1-Related Fanconi Anemia. Identifiers: Orphanet 84, MedGen C1836860, MONDO:0012187, OMIM 609054.
Familial cancer of breast. Also called: hereditary breast carcinoma; Hereditary breast cancer; BREAST CANCER, FAMILIAL. Identifiers: Orphanet 227535, MedGen C0346153, MONDO:0016419, OMIM 114480. Disease mechanism: loss of function.
Hereditary cancer-predisposing syndrome. Also called: Tumor predisposition; Hereditary neoplastic syndrome; Neoplastic Syndromes, Hereditary; Hereditary Cancer Syndrome. Identifiers: Orphanet 140162, MedGen C0027672, MeSH D009386, MONDO:0015356.

Submissions (2):

Ambry Genetics
Classification: Uncertain significance for Hereditary cancer-predisposing syndrome. Last evaluated: 2025-02-09. Review status: criteria provided, single submitter. Criteria: Ambry Variant Classification Scheme 2023. Collection method: clinical testing. Allele origin: germline.
Comment: The p.V720L variant (also known as c.2158G>T), located in coding exon 14 of the BRIP1 gene, results from a G to T substitution at nucleotide position 2158. The valine at codon 720 is replaced by leucine, an amino acid with highly similar properties. This amino acid position is conserved. In addition, this alteration is predicted to be tolerated by in silico analysis. Since supporting evidence is limited at this time, the clinical significance of this alteration remains unclear.

Labcorp Genetics (formerly Invitae), Labcorp
Classification: Uncertain significance for Familial cancer of breast; Fanconi anemia complementation group J. Last evaluated: 2021-06-03. Review status: criteria provided, single submitter. Criteria: Invitae Variant Classification Sherloc (09022015). Collection method: clinical testing. Allele origin: germline.
Comment: In summary, the available evidence is currently insufficient to determine the role of this variant in disease. Therefore, it has been classified as a Variant of Uncertain Significance. Algorithms developed to predict the effect of missense changes on protein structure and function (SIFT, PolyPhen-2, Align-GVGD) all suggest that this variant is likely to be tolerated, but these predictions have not been confirmed by published functional studies and their clinical significance is uncertain. This variant has not been reported in the literature in individuals with BRIP1-related conditions. This variant is not present in population databases (ExAC no frequency). This sequence change replaces valine with leucine at codon 720 of the BRIP1 protein (p.Val720Leu). The valine residue is moderately conserved and there is a small physicochemical difference between valine and leucine.